The following is an entry in ClinVar:

ClinVar aggregate classification (germline): Benign/Likely benign. Review status: criteria provided, multiple submitters, no conflicts (2 of 4 stars). 2 submissions from 2 submitters: Benign (1); Likely benign (1). Last evaluated 2025-05-06.

Allele frequency attached by ClinVar (database versions not stated): gnomAD 0.00006; TOPMed 0.00037; 1000 Genomes Project 30x 0.00109; 1000 Genomes Project 0.00140.
gnomAD v4.1: 717 of 1,613,904 alleles (0.044%); highest among the groups gnomAD compares: East Asian, 1.5%; 13 homozygotes.

Submissions (2):

Labcorp Genetics (formerly Invitae), Labcorp
Classification: Benign. Last evaluated: 2025-05-06. Review status: criteria provided, single submitter. Criteria: Invitae Variant Classification Sherloc (09022015). Collection method: clinical testing. Allele origin: germline.

CeGaT Center for Human Genetics Tuebingen
Classification: Likely benign. Last evaluated: 2022-03-01. Review status: criteria provided, single submitter. Criteria: CeGaT Center For Human Genetics Tuebingen Variant Classification Criteria Version 2. Collection method: clinical testing. Allele origin: germline. Affected: yes. Observed: 1 variant allele.
Comment: RNF213: BP4, BP7

NM_001256071.3(RNF213):c.14880C>T (p.Ile4960=)

Genes: RNF213 (ring finger protein 213; plus strand), RNF213-AS1 (RNF213 antisense RNA 1; minus strand). Cytogenetic location: 17q25.3.
Variant type: single nucleotide variant.
Coding change: c.14880C>T on transcript NM_001256071.3 (MANE Select); coding-DNA position 14880, C replaced by T.
Protein change: p.Ile4960=; no amino-acid change (isoleucine 4960 retained).
Molecular consequence: synonymous variant.
Genome position (GRCh38, 1-based): chr17:80,386,849, C>T. VCF-style: chr17-80386849-C-T. GRCh37 (hg19) VCF-style: chr17-78360649-C-T.
Identifiers: ClinVar variation 733007 (VCV000733007.31), dbSNP rs144367158, ClinGen allele CA8823103.